The following is an entry in ClinVar:

ClinVar aggregate classification (germline): Uncertain significance. Review status: criteria provided, multiple submitters, no conflicts (2 of 4 stars). 2 submissions from 2 submitters: Uncertain significance (2). Last evaluated 2024-11-05.

Conditions:
Dystonia 12 (DYT12). Also called: Rapid-Onset Dystonia-Parkinsonism (RDP); DYT-ATP1A3. Identifiers: Orphanet 71517, MedGen C1868681, MONDO:0007496, OMIM 128235.

Submissions (2):

GeneDx
Classification: Uncertain significance. Last evaluated: 2024-11-05. Review status: criteria provided, single submitter. Criteria: GeneDx Variant Classification Process June 2021. Collection method: clinical testing. Allele origin: germline. Affected: yes.
Comment: Not observed at significant frequency in large population cohorts (gnomAD); In silico analysis indicates that this missense variant does not alter protein structure/function; Has not been previously published as pathogenic or benign to our knowledge

Labcorp Genetics (formerly Invitae), Labcorp
Classification: Uncertain significance for Dystonia 12. Last evaluated: 2023-02-04. Review status: criteria provided, single submitter. Criteria: Invitae Variant Classification Sherloc (09022015). Collection method: clinical testing. Allele origin: germline.
Comment: This variant is not present in population databases (gnomAD no frequency). This sequence change replaces isoleucine, which is neutral and non-polar, with leucine, which is neutral and non-polar, at codon 821 of the ATP1A3 protein (p.Ile821Leu). In summary, the available evidence is currently insufficient to determine the role of this variant in disease. Therefore, it has been classified as a Variant of Uncertain Significance. Advanced modeling of protein sequence and biophysical properties (such as structural, functional, and spatial information, amino acid conservation, physicochemical variation, residue mobility, and thermodynamic stability) performed at Invitae indicates that this missense variant is expected to disrupt ATP1A3 protein function. ClinVar contains an entry for this variant (Variation ID: 1312379). This variant has not been reported in the literature in individuals affected with ATP1A3-related conditions.

NM_152296.5(ATP1A3):c.2461A>C (p.Ile821Leu)

Gene: ATP1A3 (ATPase Na+/K+ transporting subunit alpha 3; minus strand). Cytogenetic location: 19q13.2.
Variant type: single nucleotide variant.
Coding change: c.2461A>C on transcript NM_152296.5 (MANE Select); coding-DNA position 2461, A replaced by C.
Protein change: p.Ile821Leu; replaces isoleucine 821 with leucine.
Molecular consequence: missense variant.
Genome position (GRCh38, 1-based): chr19:41,970,266, T>G on the plus strand (A>C on the coding strand, the complement: ATP1A3 is on the minus strand). VCF-style: chr19-41970266-T-G. GRCh37 (hg19) VCF-style: chr19-42474418-T-G.
Other names: c.2494A>C, p.Ile832Leu (NM_001256213.2); c.2500A>C, p.Ile834Leu (NM_001256214.2); short protein forms I821L, I832L, I834L.
Identifiers: ClinVar variation 1312379 (VCV001312379.7), dbSNP rs2145947547, ClinGen allele CA406038896.
Genomic context (GRCh38, chr19:41,970,266, plus strand): 5'-TGATGAGTCTCTCATTGACCAATTTGTCCGTCCGCGGGTTCCTGGGCTGTCTCTTCATGA[T>G]GTCGCTTTCGGCAGCCTCGTACGCCAGTGAGATGGCAGGGACCTAGGCGGAGGAGGCCGG-3'
Protein context (NP_689509.1, residues 811-831): SLAYEAAESD[Ile821Leu]MKRQPRNPRT